The following is an entry in ClinVar:

NM_001563.4(IMPG1):c.666A>G (p.Thr222=)

Gene: IMPG1 (interphotoreceptor matrix proteoglycan 1; minus strand). Cytogenetic location: 6q14.1.
Variant type: single nucleotide variant.
Coding change: c.666A>G on transcript NM_001563.4 (MANE Select); coding-DNA position 666, A replaced by G.
Protein change: p.Thr222=; no amino-acid change (threonine 222 retained).
Molecular consequence: synonymous variant.
Genome position (GRCh38, 1-based): chr6:76,022,116, T>C on the plus strand (A>G on the coding strand, the complement: IMPG1 is on the minus strand). VCF-style: chr6-76022116-T-C. GRCh37 (hg19) VCF-style: chr6-76731833-T-C.
Other names: c.432A>G, p.Thr144= (NM_001282368.2).
Identifiers: ClinVar variation 1491150 (VCV001491150.8), dbSNP rs1352056650, ClinGen allele CA450940759.

ClinVar aggregate classification (germline): Uncertain significance (1 of 4 stars; one submission).

Allele frequency attached by ClinVar (database versions not stated): gnomAD exomes below 0.00001 and 0.00001; TOPMed below 0.00001.
gnomAD v4.1: 2 of 1,543,148 alleles (0.00013%); highest among the groups gnomAD compares: Non-Finnish European, 0.00018%; no homozygotes.

Submission:

Labcorp Genetics (formerly Invitae), Labcorp
Classification: Uncertain significance. Last evaluated: 2020-12-04. Review status: criteria provided, single submitter. Criteria: Invitae Variant Classification Sherloc (09022015). Collection method: clinical testing. Allele origin: germline.
Comment: In summary, the available evidence is currently insufficient to determine the role of this variant in disease. Therefore, it has been classified as a Variant of Uncertain Significance. Algorithms developed to predict the effect of sequence changes on RNA splicing suggest that this variant may create or strengthen a splice site, but this prediction has not been confirmed by published transcriptional studies. This variant has not been reported in the literature in individuals with IMPG1-related conditions. This variant is not present in population databases (ExAC no frequency). This sequence change affects codon 222 of the IMPG1 mRNA. It is a 'silent' change, meaning that it does not change the encoded amino acid sequence of the IMPG1 protein.